The following is an entry in ClinVar:

ClinVar aggregate classification (germline): Uncertain significance (1 of 4 stars; one submission).

Conditions:
Hereditary cancer-predisposing syndrome. Also called: Neoplastic Syndromes, Hereditary; Tumor predisposition; Hereditary neoplastic syndrome; Hereditary Cancer Syndrome. Identifiers: Orphanet 140162, MedGen C0027672, MeSH D009386, MONDO:0015356.
Cardiovascular phenotype. Identifiers: MedGen CN230736.

Submission:

Ambry Genetics
Classification: Uncertain significance for Cardiovascular phenotype; Hereditary cancer-predisposing syndrome. Last evaluated: 2023-10-26. Review status: criteria provided, single submitter. Criteria: Ambry Variant Classification Scheme 2023. Collection method: clinical testing. Allele origin: germline.
Comment: The c.593+4G>T intronic variant results from a G to T substitution 4 nucleotides after coding exon 6 in the LZTR1 gene. This nucleotide position is not well conserved in available vertebrate species. In silico splice site analysis predicts that this alteration will not have any significant effect on splicing. Since supporting evidence is limited at this time, the clinical significance of this alteration remains unclear.

NM_006767.4(LZTR1):c.593+4G>T

Gene: LZTR1 (leucine zipper like post translational regulator 1; plus strand). Cytogenetic location: 22q11.21.
Variant type: single nucleotide variant.
Coding change: c.593+4G>T on transcript NM_006767.4 (MANE Select); 4 bases into the intron after coding-DNA position 593, G replaced by T.
Molecular consequence: intron variant.
Genome position (GRCh38, 1-based): chr22:20,988,876, G>T. VCF-style: chr22-20988876-G-T. GRCh37 (hg19) VCF-style: chr22-21343165-G-T.
Identifiers: ClinVar variation 3238313 (VCV003238313.1), dbSNP rs2518614225.